The following is an entry in ClinVar:

NM_181332.3(NLGN4X):c.1563C>T (p.Ala521=)

Gene: NLGN4X (neuroligin 4 X-linked; minus strand). Cytogenetic location: Xp22.32.
Variant type: single nucleotide variant.
Coding change: c.1563C>T on transcript NM_181332.3 (MANE Select); coding-DNA position 1563, C replaced by T.
Protein change: p.Ala521=; no amino-acid change (alanine 521 retained).
Molecular consequence: synonymous variant.
Genome position (GRCh38, 1-based): chrX:5,903,115, G>A on the plus strand (C>T on the coding strand, the complement: NLGN4X is on the minus strand). VCF-style: chrX-5903115-G-A. GRCh37 (hg19) VCF-style: chrX-5821156-G-A.
Other names: c.1563C>T, p.Ala521= (NM_020742.4, NM_001282145.2, NM_001282146.2); c.1563C>T (NM_020742.3).
Identifiers: ClinVar variation 3025411 (VCV003025411.23), dbSNP rs144614029, ClinGen allele CA10341001.

ClinVar aggregate classification (germline): Likely benign. Review status: criteria provided, single submitter (1 of 4 stars). 2 submissions from 2 submitters: Likely benign (1). 1 of the submissions does not count toward it. Last evaluated 2023-12-01.

Conditions:
NLGN4X-related disorder. Also called: NLGN4X-related condition.

Allele frequency attached by ClinVar (database versions not stated): ExAC 0.00006; gnomAD 0.00008; TOPMed 0.00008; ESP Exome Variant Server 0.00009; gnomAD exomes 0.00013.
gnomAD v4.1: 145 of 1,210,593 alleles (0.012%); highest among the groups gnomAD compares: Non-Finnish European, 0.015%; no homozygotes.

Submissions (2):

CeGaT Center for Human Genetics Tuebingen
Classification: Likely benign. Last evaluated: 2023-12-01. Review status: criteria provided, single submitter. Criteria: CeGaT Center For Human Genetics Tuebingen Variant Classification Criteria Version 2. Collection method: clinical testing. Allele origin: germline. Affected: yes. Observed: 1 variant allele.
Comment: NLGN4X: BP4, BP7, BS2

PreventionGenetics, part of Exact Sciences
Classification: Likely benign for NLGN4X-related condition. Last evaluated: 2019-04-29. Review status: no assertion criteria provided. Collection method: clinical testing. Allele origin: germline. Not counted in ClinVar's aggregate classification.
Comment: This variant is classified as likely benign based on ACMG/AMP sequence variant interpretation guidelines (Richards et al. 2015 PMID: 25741868, with internal and published modifications).